The following is an entry in ClinVar:

ClinVar aggregate classification (germline): Uncertain significance (1 of 4 stars; one submission).

Conditions:
Hereditary pancreatitis (PCTT). Also called: Hereditary chronic pancreatitis; PRSS1-Related Hereditary Pancreatitis. Identifiers: Orphanet 676, MedGen C0238339, MONDO:0008185, OMIM 167800.

Submission:

Ambry Genetics
Classification: Uncertain significance for Hereditary pancreatitis. Last evaluated: 2026-01-25. Review status: criteria provided, single submitter. Criteria: Ambry Variant Classification Scheme 2023. Collection method: clinical testing. Allele origin: germline.
Comment: The p.D291E variant (also known as c.873C>G), located in coding exon 8 of the CPA1 gene, results from a C to G substitution at nucleotide position 873. The aspartic acid at codon 291 is replaced by glutamic acid, an amino acid with highly similar properties. This amino acid position is conserved. In addition, this alteration is predicted to be tolerated by in silico analysis. Based on the available evidence, the clinical significance of this variant remains unclear.

NM_001868.4(CPA1):c.873C>G (p.Asp291Glu)

Gene: CPA1 (carboxypeptidase A1; plus strand). Cytogenetic location: 7q32.2.
Variant type: single nucleotide variant.
Coding change: c.873C>G on transcript NM_001868.4 (MANE Select); coding-DNA position 873, C replaced by G.
Protein change: p.Asp291Glu; replaces aspartic acid 291 with glutamic acid.
Molecular consequence: missense variant.
Genome position (GRCh38, 1-based): chr7:130,385,231, C>G. VCF-style: chr7-130385231-C-G. GRCh37 (hg19) VCF-style: chr7-130025072-C-G.
Other names: short protein forms D291E.
Identifiers: ClinVar variation 4844420 (VCV004844420.1).